The following is an entry in ClinVar:

ClinVar aggregate classification (germline): Uncertain significance (1 of 4 stars; one submission).

gnomAD v4.1: 3 of 1,613,180 alleles (0.00019%); highest among the groups gnomAD compares: East Asian, 0.0022%; no homozygotes.

Submission:

Labcorp Genetics (formerly Invitae), Labcorp
Classification: Uncertain significance. Last evaluated: 2025-05-29. Review status: criteria provided, single submitter. Criteria: Invitae Variant Classification Sherloc (09022015). Collection method: clinical testing. Allele origin: germline.
Comment: This sequence change replaces glycine, which is neutral and non-polar, with cysteine, which is neutral and slightly polar, at codon 193 of the USH2A protein (p.Gly193Cys). This variant is present in population databases (no rsID available, gnomAD 0.06%). This missense change has been observed in individual(s) with clinical features of Usher syndrome (internal data). ClinVar contains an entry for this variant (Variation ID: 1001682). Invitae Evidence Modeling of protein sequence and biophysical properties (such as structural, functional, and spatial information, amino acid conservation, physicochemical variation, residue mobility, and thermodynamic stability) indicates that this missense variant is expected to disrupt USH2A protein function with a positive predictive value of 95%. In summary, the available evidence is currently insufficient to determine the role of this variant in disease. Therefore, it has been classified as a Variant of Uncertain Significance.

NM_206933.4(USH2A):c.577G>T (p.Gly193Cys)

Gene: USH2A (usherin; minus strand). Cytogenetic location: 1q41.
Variant type: single nucleotide variant.
Coding change: c.577G>T on transcript NM_206933.4 (MANE Select); coding-DNA position 577, G replaced by T.
Protein change: p.Gly193Cys; replaces glycine 193 with cysteine.
Molecular consequence: missense variant.
Genome position (GRCh38, 1-based): chr1:216,418,588, C>A on the plus strand (G>T on the coding strand, the complement: USH2A is on the minus strand). VCF-style: chr1-216418588-C-A. GRCh37 (hg19) VCF-style: chr1-216591930-C-A.
Other names: c.577G>T, p.Gly193Cys (NM_007123.6); short protein forms G193C.
Identifiers: ClinVar variation 1001682 (VCV001001682.3), dbSNP rs1472492116, ClinGen allele CA344902485.